The following is an entry in ClinVar:

NM_001079802.2(FKTN):c.779A>G (p.Gln260Arg)

Gene: FKTN (fukutin; plus strand). Cytogenetic location: 9q31.2.
Variant type: single nucleotide variant.
Coding change: c.779A>G on transcript NM_001079802.2 (MANE Select); coding-DNA position 779, A replaced by G.
Protein change: p.Gln260Arg; replaces glutamine 260 with arginine.
Molecular consequence: missense variant. On other transcripts: non-coding transcript variant (2).
Genome position (GRCh38, 1-based): chr9:105,607,950, A>G. VCF-style: chr9-105607950-A-G. GRCh37 (hg19) VCF-style: chr9-108370231-A-G.
Other names: c.779A>G, p.Gln260Arg (NM_001198963.2, NM_001351496.2, NM_001351498.2 and 1 more transcripts); c.710A>G, p.Gln237Arg (NM_001351497.2); c.383A>G, p.Gln128Arg (NM_001351499.2, NM_001351500.2, NM_001351501.2 and 1 more transcripts); short protein forms Q128R, Q237R, Q260R.
Identifiers: ClinVar variation 1690770 (VCV001690770.2), dbSNP rs2132902463, ClinGen allele CA374332740.

ClinVar aggregate classification (germline): Uncertain significance (1 of 4 stars; one submission).

Submission:

Laboratorio de Genetica e Diagnostico Molecular, Hospital Israelita Albert Einstein
Classification: Uncertain significance. Last evaluated: 2020-01-02. Review status: criteria provided, single submitter. Criteria: ACMG Guidelines, 2015. Collection method: clinical testing. Allele origin: germline. Affected: yes.
Comment: ACMG classification criteria: PM2, PP3